The following is an entry in ClinVar:

ClinVar aggregate classification (germline): Uncertain significance (1 of 4 stars; one submission).

Conditions:
Heterotopia, periventricular, X-linked dominant (PVNH1). Also called: PERIVENTRICULAR NODULAR HETEROTOPIA 1; PERIVENTRICULAR NODULAR HETEROTOPIA 4; HETEROTOPIA, PERIVENTRICULAR, 1; X-linked periventricular heterotopia. Identifiers: Orphanet 2149, Orphanet 82004, MedGen C1848213, MONDO:0010233, OMIM 300049.

gnomAD v4.1: 1 of 1,211,691 alleles (0.000083%); highest among the groups gnomAD compares: Non-Finnish European, 0.00011%; no homozygotes.

Submission:

Victorian Clinical Genetics Services, Murdoch Childrens Research Institute
Classification: Uncertain significance for Heterotopia, periventricular, X-linked dominant. Last evaluated: 2025-06-16. Review status: criteria provided, single submitter. Criteria: ACMG Guidelines, 2015. Collection method: clinical testing. Allele origin: germline. Affected: yes.
Comment: This variant is classified as VUS-3B. Evidence in support of pathogenic classification: Variant is present in gnomAD <0.01 for a recessive condition (v4: 1 heterozygote(s), 0 homozygote(s)); Missense variant predicted to be damaging by in silico tool(s) or highly conserved with a major amino acid change. Additional information: Variant is predicted to result in a missense amino acid change from glycine to alanine; This variant is hemizygous; This gene is associated with both X-linked recessive and dominant disease (OMIM); Previous evidence of pathogenicity for this variant is inconclusive. This variant has been classified as a VUS, in a fetus with congenital anomalies, inherited fom an unaffected mother, and with an alternative de novo duplication (VKGL personal communication); No published functional evidence has been identified for this variant; No comparable missense variants have previous evidence for pathogenicity; Variant is located in the annotated filamin/ABP280 repeat domain (DECIPHER); Loss of function and gain of function are known mechanisms of disease in this gene. Loss of function variants are reported to cause periventricular nodular heterotopia, X-linked cardiac valvular dystrophy and gastrointestinal diseases, whereas gain of function missense variants and small in-frame deletions lead to the otopalatodigital spectrum of disease. X-linked cardiac valvular dystrophy is caused by mostly missense or splice variants in filamin repeats 1, 4, 5, 6 and 7 (PMID: 30089473).

Literature cited by the submitters: PubMed 30089473.

NM_001110556.2(FLNA):c.1643G>C (p.Gly548Ala)

Gene: FLNA (filamin A; minus strand). Cytogenetic location: Xq28.
Variant type: single nucleotide variant.
Coding change: c.1643G>C on transcript NM_001110556.2 (MANE Select); coding-DNA position 1643, G replaced by C.
Protein change: p.Gly548Ala; replaces glycine 548 with alanine.
Molecular consequence: missense variant.
Genome position (GRCh38, 1-based): chrX:154,365,184, C>G on the plus strand (G>C on the coding strand, the complement: FLNA is on the minus strand). VCF-style: chrX-154365184-C-G. GRCh37 (hg19) VCF-style: chrX-153593552-C-G.
Other names: c.1643G>C, p.Gly548Ala (NM_001456.4); short protein forms G548A.
Identifiers: ClinVar variation 4532174 (VCV004532174.1).